The following is an entry in ClinVar:

ClinVar aggregate classification (germline): Uncertain significance (1 of 4 stars; one submission).

Conditions:
Developmental and epileptic encephalopathy, 30 (DEE30). Also called: Epileptic encephalopathy, early infantile, 30. Identifiers: MedGen C4225360, MONDO:0014595, OMIM 616341.

Submission:

Labcorp Genetics (formerly Invitae), Labcorp
Classification: Uncertain significance for Developmental and epileptic encephalopathy, 30. Last evaluated: 2023-03-26. Review status: criteria provided, single submitter. Criteria: Invitae Variant Classification Sherloc (09022015). Collection method: clinical testing. Allele origin: germline.
Comment: In summary, the available evidence is currently insufficient to determine the role of this variant in disease. Therefore, it has been classified as a Variant of Uncertain Significance. Advanced modeling of protein sequence and biophysical properties (such as structural, functional, and spatial information, amino acid conservation, physicochemical variation, residue mobility, and thermodynamic stability) performed at Invitae indicates that this missense variant is not expected to disrupt SIK1 protein function. ClinVar contains an entry for this variant (Variation ID: 1019023). This variant has not been reported in the literature in individuals affected with SIK1-related conditions. This variant is not present in population databases (gnomAD no frequency). This sequence change replaces valine, which is neutral and non-polar, with isoleucine, which is neutral and non-polar, at codon 75 of the SIK1 protein (p.Val75Ile).

NM_173354.5(SIK1):c.223G>A (p.Val75Ile)

Gene: SIK1 (salt inducible kinase 1; minus strand). Cytogenetic location: 21q22.3.
Variant type: single nucleotide variant.
Coding change: c.223G>A on transcript NM_173354.5 (MANE Select); coding-DNA position 223, G replaced by A.
Protein change: p.Val75Ile; replaces valine 75 with isoleucine.
Molecular consequence: missense variant.
Genome position (GRCh38, 1-based): chr21:43,425,457, C>T on the plus strand (G>A on the coding strand, the complement: SIK1 is on the minus strand). VCF-style: chr21-43425457-C-T. GRCh37 (hg19) VCF-style: chr21-44845337-C-T.
Other names: short protein forms V75I.
Identifiers: ClinVar variation 1019023 (VCV001019023.9), dbSNP rs1041137216, ClinGen allele CA321329842.